The following is an entry in ClinVar:

NM_005909.5(MAP1B):c.907C>T (p.Arg303Ter)

Gene: MAP1B (microtubule associated protein 1B; plus strand). Cytogenetic location: 5q13.2.
Variant type: single nucleotide variant.
Coding change: c.907C>T on transcript NM_005909.5 (MANE Select); coding-DNA position 907, C replaced by T.
Protein change: p.Arg303Ter; replaces arginine 303 with a stop codon.
Molecular consequence: nonsense.
Genome position (GRCh38, 1-based): chr5:72,194,262, C>T. VCF-style: chr5-72194262-C-T. GRCh37 (hg19) VCF-style: chr5-71490089-C-T.
Other names: c.529C>T, p.Arg177Ter (NM_001324255.2); c.907C>T (NM_005909.4); short protein forms R303*, R177*.
Identifiers: ClinVar variation 548632 (VCV000548632.43), dbSNP rs1554054831, ClinGen allele CA359995406.

ClinVar aggregate classification (germline): Pathogenic/Likely pathogenic. Review status: criteria provided, multiple submitters, no conflicts (2 of 4 stars). 6 submissions from 6 submitters: Pathogenic (2); Likely pathogenic (1). 3 of the submissions do not count toward it. Last evaluated 2023-11-08.

Conditions:
Periventricular nodular heterotopia 9. Identifiers: MedGen C5394503, MONDO:0030061, OMIM 618918.
Periventricular nodular heterotopia (PVNH). Identifiers: Orphanet 98892, MedGen C1868720, MeSH D054091, MONDO:0020341, HP:0032388.
MAP1B-related disorder. Also called: MAP1B-related condition.

Submissions (6):

GeneDx
Classification: Pathogenic. Last evaluated: 2023-11-08. Review status: criteria provided, single submitter. Criteria: GeneDx Variant Classification Process June 2021. Collection method: clinical testing. Allele origin: germline. Affected: yes.
Comment: Nonsense variant predicted to result in protein truncation or nonsense mediated decay in a gene for which loss of function is a known mechanism of disease; Not observed at significant frequency in large population cohorts (gnomAD); This variant is associated with the following publications: (PMID: 35586607, 29738522)

CeGaT Center for Human Genetics Tuebingen
Classification: Pathogenic. Last evaluated: 2020-05-01. Review status: criteria provided, single submitter. Criteria: CeGaT Center For Human Genetics Tuebingen Variant Classification Criteria Version 2. Collection method: clinical testing. Allele origin: germline. Affected: yes. Observed: 1 variant allele.

Rady Children's Institute for Genomic Medicine, Rady Children's Hospital San Diego
Classification: Likely pathogenic for Periventricular nodular heterotopia 9. Review status: criteria provided, single submitter. Criteria: ACMG Guidelines, 2015. Collection method: clinical testing. Allele origin: germline. Affected: yes.
Comment: This nonsense variant found in exon 5 of 7 is predicted to result in loss of normal protein function through either protein truncation or nonsense-mediated mRNA decay (NMD). This variant has been previously reported as a heterozygous de novo change in patients with periventricular nodular heterotopia (PMID: 29738522). Loss-of-function variation in MAP1B is an established mechanism of disease (PMID: 29738522). The c.907C>T (p.Arg303Ter) variant is absent from the gnomAD population database and thus is presumed to be rare. Based on the available evidence, the c.907C>T (p.Arg303Ter) variant is classified as Likely Pathogenic.

PreventionGenetics, part of Exact Sciences
Classification: Pathogenic for MAP1B-related condition. Last evaluated: 2023-12-05. Review status: no assertion criteria provided. Collection method: clinical testing. Allele origin: germline. Not counted in ClinVar's aggregate classification.
Comment: The MAP1B c.907C>T variant is predicted to result in premature protein termination (p.Arg303*). This variant was reported to occur de novo in a patient affected with periventricular nodular heterotopia (Table 3 in Heinzen. 2018. PubMed ID: 29738522). This variant has not been reported in a large population database, indicating this variant is rare. Nonsense variants in MAP1B are expected to be pathogenic. This variant is interpreted as pathogenic.

OMIM
Classification: Pathogenic for PERIVENTRICULAR NODULAR HETEROTOPIA 9. Last evaluated: 2020-06-29. Review status: no assertion criteria provided. Collection method: literature only. Allele origin: germline. Not counted in ClinVar's aggregate classification.

Epi4K Consortium
Classification: Likely pathogenic for Periventricular Nodular Heterotopia. Last evaluated: 2018-01-01. Review status: no assertion criteria provided. Collection method: research. Allele origin: de novo. Affected: yes. Observed: 1 variant allele. Study: Epi4K. Not counted in ClinVar's aggregate classification.

Literature cited by the submitters: PubMed 29738522 (cited by OMIM).